The following is an entry in ClinVar:

ClinVar aggregate classification (germline): Uncertain significance (1 of 4 stars; one submission).

Submission:

GeneDx
Classification: Uncertain significance. Last evaluated: 2023-01-27. Review status: criteria provided, single submitter. Criteria: GeneDx Variant Classification Process June 2021. Collection method: clinical testing. Allele origin: germline. Affected: yes.
Comment: Not observed at significant frequency in large population cohorts (gnomAD); In silico analysis supports that this missense variant does not alter protein structure/function; Has not been previously published as pathogenic or benign to our knowledge

NM_001375524.1(TRRAP):c.10765G>A (p.Val3589Met)

Gene: TRRAP (transformation/transcription domain associated protein; plus strand). Cytogenetic location: 7q22.1.
Variant type: single nucleotide variant.
Coding change: c.10765G>A on transcript NM_001375524.1 (MANE Select); coding-DNA position 10765, G replaced by A.
Protein change: p.Val3589Met; replaces valine 3589 with methionine.
Molecular consequence: missense variant.
Genome position (GRCh38, 1-based): chr7:99,008,388, G>A. VCF-style: chr7-99008388-G-A. GRCh37 (hg19) VCF-style: chr7-98606011-G-A.
Other names: c.10723G>A, p.Val3575Met (NM_001244580.2); c.10636G>A, p.Val3546Met (NM_003496.4); short protein forms V3546M, V3575M, V3589M.
Identifiers: ClinVar variation 2574554 (VCV002574554.1), dbSNP rs2485071712, ClinGen allele CA368339903.